The following is an entry in ClinVar:

ClinVar aggregate classification (germline): Uncertain significance (1 of 4 stars; one submission).

Conditions:
Hereditary cancer-predisposing syndrome. Also called: Tumor predisposition; Hereditary neoplastic syndrome; Hereditary Cancer Syndrome; Neoplastic Syndromes, Hereditary. Identifiers: Orphanet 140162, MedGen C0027672, MeSH D009386, MONDO:0015356.

gnomAD v4.1: 1 of 1,599,924 alleles (0.000063%); highest among the groups gnomAD compares: Non-Finnish European, 0.000086%; no homozygotes.

Submission:

Ambry Genetics
Classification: Uncertain significance for Hereditary cancer-predisposing syndrome. Last evaluated: 2025-05-01. Review status: criteria provided, single submitter. Criteria: Ambry Variant Classification Scheme 2023. Collection method: clinical testing. Allele origin: germline.
Comment: The p.R828T variant (also known as c.2483G>C), located in coding exon 23 of the RB1 gene, results from a G to C substitution at nucleotide position 2483. The arginine at codon 828 is replaced by threonine, an amino acid with similar properties. This amino acid position is conserved. In addition, this alteration is predicted to be tolerated by in silico analysis. Based on the available evidence, the clinical significance of this variant remains unclear.

NM_000321.3(RB1):c.2483G>C (p.Arg828Thr)

Gene: RB1 (RB transcriptional corepressor 1; plus strand). Cytogenetic location: 13q14.2.
Variant type: single nucleotide variant.
Coding change: c.2483G>C on transcript NM_000321.3 (MANE Select); coding-DNA position 2483, G replaced by C.
Protein change: p.Arg828Thr; replaces arginine 828 with threonine.
Molecular consequence: missense variant.
Genome position (GRCh38, 1-based): chr13:48,465,362, G>C. VCF-style: chr13-48465362-G-C. GRCh37 (hg19) VCF-style: chr13-49039498-G-C.
Other names: c.2483G>C, p.Arg828Thr (NM_001407165.1); short protein forms R828T.
Identifiers: ClinVar variation 3943350 (VCV003943350.1).